The following is an entry in ClinVar:

ClinVar aggregate classification (germline): Likely pathogenic (1 of 4 stars; one submission).

Conditions:
VACTERL association, X-linked, with or without hydrocephalus (VACTERLX). Also called: VACTERL Association with Hydrocephalus, X-linked; X-linked VACTERL-H syndrome; VACTERL ASSOCIATION, X-LINKED; VACTERL-H, X-LINKED. Identifiers: Orphanet 3412, MedGen C2931228, MONDO:0010752, OMIM 314390.

Submission:

Variantyx, Inc.
Classification: Likely pathogenic for VACTERL association, X-linked, with or without hydrocephalus. Last evaluated: 2025-08-26. Review status: criteria provided, single submitter. Criteria: Variantyx Assertion Criteria 2022. Collection method: clinical testing. Allele origin: maternal. Inheritance: X-linked recessive inheritance.
Comment: This is a nonsense variant in the ZIC3 gene (OMIM: 300265). Pathogenic variants in this gene have been associated with X-linked VACTERL association. This variant introduces a premature termination codon in exon 1 out of 3 and is expected to result in loss of function, which is a known disease mechanism for ZIC3 in this disorder (PMID: 27821535, 24123890, 14681828) (PVS1). This variant is absent from control populations (PM2). Based on the current evidence, this variant is classified as likely pathogenic for X-linked VACTERL association.

Literature cited by the submitters: PubMed 27821535; PubMed 24123890; PubMed 14681828.

NM_003413.4(ZIC3):c.643C>T (p.Gln215Ter)

Gene: ZIC3 (Zic family zinc finger 3; plus strand). Cytogenetic location: Xq26.3.
Variant type: single nucleotide variant.
Coding change: c.643C>T on transcript NM_003413.4 (MANE Select); coding-DNA position 643, C replaced by T.
Protein change: p.Gln215Ter; replaces glutamine 215 with a stop codon.
Molecular consequence: nonsense.
Genome position (GRCh38, 1-based): chrX:137,567,334, C>T. VCF-style: chrX-137567334-C-T. GRCh37 (hg19) VCF-style: chrX-136649493-C-T.
Other names: c.643C>T, p.Gln215Ter (NM_001330661.1); short protein forms Q215*.
Identifiers: ClinVar variation 4795938 (VCV004795938.1).